The following is an entry in ClinVar:

NM_000051.4(ATM):c.6807G>A (p.Gln2269=)

Genes: ATM (ATM serine/threonine kinase; plus strand), C11orf65 (chromosome 11 open reading frame 65; minus strand). Cytogenetic location: 11q22.3.
Variant type: single nucleotide variant.
Coding change: c.6807G>A on transcript NM_000051.4 (MANE Select); coding-DNA position 6807, G replaced by A.
Protein change: p.Gln2269=; no amino-acid change (glutamine 2269 retained).
Molecular consequence: synonymous variant. On other transcripts: intron variant (2).
Genome position (GRCh38, 1-based): chr11:108,325,544, G>A. VCF-style: chr11-108325544-G-A. GRCh37 (hg19) VCF-style: chr11-108196271-G-A.
Other names: NM_000051.4(ATM):c.6807G>A; p.Gln2269=; c.6807G>A, p.Gln2269= (NM_001351834.2); c.641-16473C>T (NM_001330368.2); c.*38+9676C>T (NM_001351110.2).
Identifiers: ClinVar variation 135775 (VCV000135775.32), dbSNP rs587780638, ClinGen allele CA332354.

ClinVar aggregate classification (germline): Pathogenic. Review status: reviewed by expert panel (3 of 4 stars). 13 submissions from 13 submitters: Pathogenic (1). 12 of the submissions do not count toward it. Last evaluated 2024-01-25.

Conditions:
ATM-related cancer predisposition. Also called: ATM-related cancer susceptibility. Identifiers: MedGen CN377759, MONDO:0700270.
ATM-related disorder. Also called: ATM-related disorders; ATM-related condition.
Breast and/or ovarian cancer. Identifiers: MedGen CN221562.
Hereditary cancer-predisposing syndrome. Also called: Neoplastic Syndromes, Hereditary; Hereditary Cancer Syndrome; Tumor predisposition; Hereditary neoplastic syndrome. Identifiers: Orphanet 140162, MedGen C0027672, MeSH D009386, MONDO:0015356.
Familial cancer of breast. Also called: BREAST CANCER, FAMILIAL; hereditary breast carcinoma; Hereditary breast cancer. Identifiers: Orphanet 227535, MedGen C0346153, MONDO:0016419, OMIM 114480. Disease mechanism: loss of function.
Ataxia-telangiectasia syndrome (AT). Also called: Ataxia-telangiectasia, complementation group D; AT, COMPLEMENTATION GROUP C; Ataxia-telangiectasia; ATAXIA-TELANGIECTASIA, COMPLEMENTATION GROUP A; ATAXIA-TELANGIECTASIA, FRESNO VARIANT; Ataxia-telangiectasia, complementation group E. Identifiers: Orphanet 100, MedGen C0004135, MONDO:0008840, OMIM 208900.

Allele frequency attached by ClinVar (database versions not stated): gnomAD 0.00001; gnomAD exomes 0.00001.
gnomAD v4.1: 10 of 1,591,990 alleles (0.00063%); highest among the groups gnomAD compares: Non-Finnish European, 0.00077%; no homozygotes.

Submissions 1 to 9 of 13:

ClinGen Hereditary Breast, Ovarian and Pancreatic Cancer Variant Curation Expert Panel, ClinGen
Classification: Pathogenic for ATM-related cancer predisposition. Last evaluated: 2024-01-25. Review status: reviewed by expert panel. Criteria: ClinGen HBOP ACMG Specifications ATM V1.2.0. Collection method: curation. Allele origin: germline. Inheritance: Autosomal dominant inheritance.
Comment: The c.6807G>A variant in ATM has been demonstrated to cause aberrant splicing, resulting in a frameshift leading to nonsense mediated decay in a gene in which loss-of-function is an established disease mechanism (Ambry internal data). This alteration results in a termination codon upstream of the most C-terminus pathogenic alteration (ATM p.Arg3047*), as classified by the HBOP VCEP, and is expected to be more deleterious. The highest population minor allele frequency in gnomAD v3.1.2 is [0.009614%] (1/10402 alleles) in European (Finnish) population, which is lower than the ClinGen HBOP threshold for PM2_Supporting, meeting this criterion. This variant has been detected in at least 1 individual with Ataxia-Telangiectasia (PMID: 30549301). In summary, this variant meets criteria to be classified as pathogenic for autosomal dominant hereditary breast cancer and autosomal recessive Ataxia-Telangiectasia based on the ACMG/AMP criteria applied, as specified by the HBOP VCEP (PVS1(RNA), PM3_supporting, PM2_supporting, PM5_supporting).

PreventionGenetics, part of Exact Sciences
Classification: Likely pathogenic for ATM-related condition. Last evaluated: 2026-06-24. Review status: criteria provided, single submitter. Criteria: ACMG Guidelines, 2015. Collection method: clinical testing. Allele origin: germline. Not counted in ClinVar's aggregate classification.
Comment: The ATM c.6807G>A variant is not predicted to result in an amino acid change (p.=). This variant has been reported along with a second pathogenic ATM variant in two individuals with Ataxia telangiectasia (AT) (Table S1, Schon et al. 2019. PubMed ID: 30549301; Table S1, Jackson et al. 2016. PubMed ID: 26896183). This variant is located at the last nucleotide of exon 46 and RNA analysis showed aberrant splicing (external communication). In gnomAD v4, this variant has been observed in 0.00166% of alleles in individuals of European (Finnish) descent and is interpreted as pathogenic in ClinVar by the ClinGen Hereditary Breast, Ovarian and Pancreatic Cancer Variant Curation Expert Panel (Variation ID: 135775). This variant is interpreted as likely pathogenic.

Women's Health and Genetics/Laboratory Corporation of America, LabCorp
Classification: Likely pathogenic for Ataxia-telangiectasia syndrome. Last evaluated: 2025-10-27. Review status: criteria provided, single submitter. Criteria: LabCorp Variant Classification Summary - May 2015. Collection method: clinical testing. Allele origin: germline. Not counted in ClinVar's aggregate classification.
Comment: Variant summary: ATM c.6807G>A (p.Gln2269Gln) alters a conserved nucleotide located close to a canonical splice site and therefore could affect mRNA splicing, leading to a significantly altered protein sequence. Several computational tools predict a significant impact on normal splicing: One predicts the variant abolishes a 5' splicing donor site and three predict the variant weakens the 5' donor site. Experimental evidence indicates that this variant indeed affects mRNA splicing, resulting in the skipping of exon 46 and produces a non-functional protein and/or introduces a premature termination codon (Schon_2019, internal data). The variant was absent in 246604 control chromosomes. c.6807G>A has been observed in individuals affected with breast cancer and/or ataxia-telangiectasia syndrome (e.g. Schon_2019, Decker_2017, internal data). These data indicate that the variant is likely associated with disease. The following publications have been ascertained in the context of this evaluation (PMID: 30549301, 28779002). ClinVar contains an entry for this variant (Variation ID: 135775). Based on the evidence outlined above, the variant was classified as likely pathogenic for Ataxia-telangiectasia syndrome and ATM-related cancers

Labcorp Genetics (formerly Invitae), Labcorp
Classification: Pathogenic for Ataxia-telangiectasia syndrome. Last evaluated: 2025-07-22. Review status: criteria provided, single submitter. Criteria: Invitae Variant Classification Sherloc (09022015). Collection method: clinical testing. Allele origin: germline. Not counted in ClinVar's aggregate classification.
Comment: This sequence change affects codon 2269 of the ATM mRNA. It is a 'silent' change, meaning that it does not change the encoded amino acid sequence of the ATM protein. RNA analysis indicates that this variant induces altered splicing and may result in an absent or altered protein product. The frequency data for this variant in the population databases is considered unreliable, as metrics indicate poor data quality at this position in the gnomAD database. This variant has been observed in individual(s) with breast cancer and/or clinical features of ataxia-telangiectasia (PMID: 30549301; internal data). In at least one individual the data is consistent with being in trans (on the opposite chromosome) from a pathogenic variant. ClinVar contains an entry for this variant (Variation ID: 135775). Variants that disrupt the consensus splice site are a relatively common cause of aberrant splicing (PMID: 17576681, 9536098). Studies have shown that this variant results in skipping of exon 46, and produces a non-functional protein and/or introduces a premature termination codon (PMID: 30549301; internal data). For these reasons, this variant has been classified as Pathogenic.

Ambry Genetics
Classification: Likely pathogenic for Hereditary cancer-predisposing syndrome. Last evaluated: 2025-02-25. Review status: criteria provided, single submitter. Criteria: Ambry Variant Classification Scheme 2023. Collection method: clinical testing. Allele origin: germline. Not counted in ClinVar's aggregate classification.
Comment: The c.6807G>A variant (also known as p.Q2269Q), located in coding exon 45 of the ATM gene, results from a G to A substitution at nucleotide position 6807. This nucleotide substitution does not change the glutamine at codon 2269. However, this change occurs in the last base pair of coding exon 45, which makes it likely to have some effect on normal mRNA splicing. This variant has been reported in the literature an individual diagnosed with variant ataxia-telangiectasia (A-T) (Schon K et al. Ann. Neurol., 2019 02;85:170-180). In addition, this alteration has been reported in at least one subject in a study of 13087 breast cancer cases and 5488 control individuals in the UK (Decker B et al. J. Med. Genet., 2017 11;54:732-741). RNA studies have demonstrated that this alteration results in abnormal splicing in the set of samples tested (Ambry internal data). This nucleotide position is highly conserved in available vertebrate species. Based on the majority of available evidence to date, this variant is likely to be pathogenic.

Blueprint Genetics
Classification: Uncertain significance. Last evaluated: 2024-11-08. Review status: criteria provided, single submitter. Criteria: ACMG Guidelines, 2015. Collection method: clinical testing. Allele origin: germline. Not counted in ClinVar's aggregate classification.

3billion
Classification: Pathogenic for Ataxia-telangiectasia syndrome. Last evaluated: 2024-09-24. Review status: criteria provided, single submitter. Criteria: ACMG Guidelines, 2015. Collection method: clinical testing. Allele origin: germline. Affected: yes. Not counted in ClinVar's aggregate classification.
Comment: The variant is observed at an extremely low frequency in the gnomAD v4.0.0 dataset (total allele frequency: <0.001%). Predicted Consequence/Location: Synonymous variant The variant has been reported to be in trans with a pathogenic variant as either compound heterozygous or homozygous in at least one similarly affected unrelated individual (PMID: 30549301). The variant has been reported as an established pathogenic variant (ClinVar ID: VCV000135775 /PMID: 30549301). Therefore, this variant is classified as Pathogenic according to the recommendation of ACMG/AMP guideline.

CHEO Genetics Diagnostic Laboratory, Children's Hospital of Eastern Ontario
Classification: Pathogenic for Breast and/or ovarian cancer. Last evaluated: 2024-03-28. Review status: criteria provided, single submitter. Criteria: ACMG Guidelines, 2015. Collection method: clinical testing. Allele origin: germline. Not counted in ClinVar's aggregate classification.

Myriad Genetics, Inc.
Classification: Likely pathogenic for Familial cancer of breast. Last evaluated: 2024-01-30. Review status: criteria provided, single submitter. Criteria: Myriad Autosomal Dominant, Autosomal Recessive and X-Linked Classification Criteria (2023). Collection method: clinical testing. Allele origin: unknown. Not counted in ClinVar's aggregate classification.
Comment: This variant is considered likely pathogenic. mRNA analysis has demonstrated abnormal mRNA splicing occurs [Myriad internal data].